The following is an entry in ClinVar:

ClinVar aggregate classification (germline): Uncertain significance (1 of 4 stars; one submission).

Submission:

Labcorp Genetics (formerly Invitae), Labcorp
Classification: Uncertain significance. Last evaluated: 2023-02-03. Review status: criteria provided, single submitter. Criteria: Invitae Variant Classification Sherloc (09022015). Collection method: clinical testing. Allele origin: germline.
Comment: This sequence change replaces valine, which is neutral and non-polar, with glutamic acid, which is acidic and polar, at codon 73 of the DFNA5 protein (p.Val73Glu). In summary, the available evidence is currently insufficient to determine the role of this variant in disease. Therefore, it has been classified as a Variant of Uncertain Significance. Advanced modeling of protein sequence and biophysical properties (such as structural, functional, and spatial information, amino acid conservation, physicochemical variation, residue mobility, and thermodynamic stability) performed at Invitae indicates that this missense variant is not expected to disrupt DFNA5 protein function. This variant has not been reported in the literature in individuals affected with DFNA5-related conditions. This variant is not present in population databases (gnomAD no frequency).

NM_001127453.2(GSDME):c.218T>A (p.Val73Glu)

Gene: GSDME (gasdermin E; minus strand). Cytogenetic location: 7p15.3.
Variant type: single nucleotide variant.
Coding change: c.218T>A on transcript NM_001127453.2 (MANE Select); coding-DNA position 218, T replaced by A.
Protein change: p.Val73Glu; replaces valine 73 with glutamic acid.
Molecular consequence: missense variant. On other transcripts: 5 prime UTR variant (1).
Genome position (GRCh38, 1-based): chr7:24,744,748, A>T on the plus strand (T>A on the coding strand, the complement: GSDME is on the minus strand). VCF-style: chr7-24744748-A-T. GRCh37 (hg19) VCF-style: chr7-24784367-A-T.
Other names: c.-275T>A (NM_001127454.2); c.218T>A, p.Val73Glu (NM_004403.3); short protein forms V73E.
Identifiers: ClinVar variation 2831330 (VCV002831330.3), dbSNP rs2535086299, ClinGen allele CA367048907.
Genomic context (GRCh38, chr7:24,744,748, plus strand): 5'-TCCAGGGTTCCACTCACGTGGTTTGCAAACTTGCCCTCGTATTTCACAAAGTCCGACTCC[A>T]CGACCACTGGAATGGAGGAGACGAGCAGAGGAAGCCGATGATGATAAGGCCACCAAGATG-3'
Protein context (NP_001120925.1, residues 63-83): IEDQFPSPVV[Val73Glu]ESDFVKYEGK